The following is an entry in ClinVar:

NM_019109.5(ALG1):c.[212C>T;221A>T]

Variant type: Haplotype.
Identifiers: ClinVar variation 1698558 (VCV001698558.2).

ClinVar aggregate classification (germline): Uncertain significance (1 of 4 stars; one submission).

Submission:

Women's Health and Genetics/Laboratory Corporation of America, LabCorp
Classification: Uncertain significance. Last evaluated: 2023-08-22. Review status: criteria provided, single submitter. Criteria: LabCorp Variant Classification Summary - May 2015. Collection method: clinical testing. Allele origin: germline.
Comment: Variant summary: ALG1 c.[212C>T;221A>T] (p.[Ser71Phe;His74Leu]) variant is a complex allele and involves the alteration of multiple nucleotides in cis on the same chromosome. Each variant allele was found at a frequency of 0.0001 in 251496 control chromosomes. This frequency is not significantly higher than estimated for a pathogenic variant in ALG1 causing Congenital Disorder Of Glycosylation Type 1K (0.0001 vs 0.0011), allowing no conclusion about variant significance. c.[212C>T;221A>T] has been reported in the literature as a complex allele in compound heterozygosity with a different variant in at-least one individual affected with Congenital Disorder Of Glycosylation (example, Ng_2016). These data do not allow any conclusion about variant significance. At least one publication reports experimental evidence evaluating an impact on protein function evaluating each variant in isolation (Ng_2016). Each variant demonstrated an inability to rescue impaired growth or hypoglycosylation of a standard biomarker in an alg1-deficient yeast strain. However, these findings do not allow convincing conclusions about the complex allele variant effect. The following publications have been ascertained in the context of this evaluation (PMID: 34567092, 26931382, 35221878, 26430078). No clinical diagnostic laboratories have submitted clinical-significance assessments for this complex allele variant to ClinVar after 2014. However, two clinical diagnostic laboratories have submitted clinical-significance assessments for each component variant to ClinVar after 2014 without evidence for independent evaluation. NM_019109.5(ALG1):c.212C>T (p.Ser71Phe) - ClinVar ID 690319 is reported as Likely pathogenic/Pathogenic and NM_019109.5(ALG1):c.221A>T (p.His74Leu) - ClinVar ID 690320 is reported as Likely pathogenic/Likely Benign. Based on the evidence outlined above, both the complex allele variant and each individual component variant was classified as uncertain significance.

Literature cited by the submitters: PubMed 34567092; PubMed 26931382; PubMed 35221878; PubMed 26430078.